The following is an entry in ClinVar:

ClinVar aggregate classification (germline): Likely pathogenic (1 of 4 stars; one submission).

Conditions:
Nemaline myopathy 2 (NEM2). Also called: Nemaline myopathy 2, autosomal recessive. Identifiers: MedGen C1850569, MONDO:0009725, OMIM 256030.

Submission:

Myriad Genetics, Inc.
Classification: Likely pathogenic for Nemaline myopathy 2. Last evaluated: 2022-04-29. Review status: criteria provided, single submitter. Criteria: Myriad Women's Health Autosomal Recessive and X-Linked Classification Criteria (2021). Collection method: clinical testing. Allele origin: unknown.
Comment: NM_001271208.1(NEB):c.3018_3019ins5(I1007Hfs*52) is expected to be pathogenic in the context of NEB-related nemaline myopathy. This variant is predicted to lead to an abnormal or absent protein product due to the creation of a premature termination codon in NEB, a gene where loss-of-function variants are known to be pathogenic. Please note: this variant was assessed in the context of healthy population screening.

NM_001164508.2(NEB):c.3018_3019insCATCT (p.Ile1007fs)

Gene: NEB (nebulin; minus strand). Cytogenetic location: 2q23.3.
Variant type: Insertion.
Coding change: c.3018_3019insCATCT on transcript NM_001164508.2 (MANE Select); coding-DNA positions 3018 to 3019, CATCT inserted.
Protein change: p.Ile1007fs; shifts the reading frame from isoleucine 1007.
Molecular consequence: frameshift variant.
Genome position: GRCh38 VCF-style: chr2-151680753-T-TAGATG. GRCh37 (hg19) VCF-style: chr2-152537267-T-TAGATG.
Other names: c.3018_3019insCATCT, p.Ile1007fs (NM_001164507.2, NM_001271208.2, NM_004543.5); short protein forms I1007fs.
Identifiers: ClinVar variation 1725986 (VCV001725986.2), dbSNP rs2552263993, ClinGen allele CA2580064034.